The following is an entry in ClinVar:

NM_002202.3(ISL1):c.957G>A (p.Pro319=)

Gene: ISL1 (ISL LIM homeobox 1; plus strand). Cytogenetic location: 5q11.1.
Variant type: single nucleotide variant.
Coding change: c.957G>A on transcript NM_002202.3 (MANE Select); coding-DNA position 957, G replaced by A.
Protein change: p.Pro319=; no amino-acid change (proline 319 retained).
Molecular consequence: synonymous variant.
Genome position (GRCh38, 1-based): chr5:51,393,517, G>A. VCF-style: chr5-51393517-G-A. GRCh37 (hg19) VCF-style: chr5-50689351-G-A.
Identifiers: ClinVar variation 3046764 (VCV003046764.2), dbSNP rs772384999, ClinGen allele CA3261139.

ClinVar aggregate classification (germline): Likely benign (0 of 4 stars; one submission).

Conditions:
ISL1-related disorder. Also called: ISL1-related condition.

Allele frequency attached by ClinVar (database versions not stated): ExAC 0.00001; TOPMed 0.00002; gnomAD 0.00003.
gnomAD v4.1: 28 of 1,612,988 alleles (0.0017%); highest among the groups gnomAD compares: Middle Eastern, 0.066%; no homozygotes.

Submission:

PreventionGenetics, part of Exact Sciences
Classification: Likely benign for ISL1-related condition. Last evaluated: 2019-03-01. Review status: no assertion criteria provided. Collection method: clinical testing. Allele origin: germline.
Comment: This variant is classified as likely benign based on ACMG/AMP sequence variant interpretation guidelines (Richards et al. 2015 PMID: 25741868, with internal and published modifications).